The following is an entry in ClinVar:

ClinVar aggregate classification (germline): Uncertain significance (1 of 4 stars; one submission).

Allele frequency attached by ClinVar (database versions not stated): gnomAD 0.00001; ExAC 0.00003.
gnomAD v4.1: 11 of 1,613,894 alleles (0.00068%); highest among the groups gnomAD compares: Admixed American, 0.017%; no homozygotes.

Submission:

GeneDx
Classification: Uncertain significance. Last evaluated: 2021-12-06. Review status: criteria provided, single submitter. Criteria: GeneDx Variant Classification Process June 2021. Collection method: clinical testing. Allele origin: germline. Affected: yes.
Comment: In silico analysis supports that this missense variant does not alter protein structure/function; Has not been previously published as pathogenic or benign to our knowledge

NM_001039141.3(TRIOBP):c.536G>T (p.Arg179Leu)

Gene: TRIOBP (TRIO and F-actin binding protein; plus strand). Cytogenetic location: 22q13.1.
Variant type: single nucleotide variant.
Coding change: c.536G>T on transcript NM_001039141.3 (MANE Select); coding-DNA position 536, G replaced by T.
Protein change: p.Arg179Leu; replaces arginine 179 with leucine.
Molecular consequence: missense variant.
Genome position (GRCh38, 1-based): chr22:37,715,842, G>T. VCF-style: chr22-37715842-G-T. GRCh37 (hg19) VCF-style: chr22-38111849-G-T.
Other names: short protein forms R179L.
Identifiers: ClinVar variation 1327738 (VCV001327738.2), dbSNP rs773013563, ClinGen allele CA10223381.